The following is an entry in ClinVar:

ClinVar aggregate classification (germline): Likely benign. Review status: criteria provided, multiple submitters, no conflicts (2 of 4 stars). 4 submissions from 4 submitters: Likely benign (4). Last evaluated 2025-12-01.

Conditions:
Developmental and epileptic encephalopathy, 69. Also called: EPILEPTIC ENCEPHALOPATHY, EARLY INFANTILE, 69. Identifiers: MedGen C4748988, MONDO:0032657, OMIM 618285.

Allele frequency attached by ClinVar (database versions not stated): gnomAD exomes 0.00003 and 0.00004; ExAC 0.00004; TOPMed 0.00005; gnomAD 0.00006; ESP Exome Variant Server 0.00016.
gnomAD v4.1: 68 of 1,611,652 alleles (0.0042%); highest among the groups gnomAD compares: Non-Finnish European, 0.0057%; no homozygotes.

Submissions (4):

Labcorp Genetics (formerly Invitae), Labcorp
Classification: Likely benign. Last evaluated: 2025-12-01. Review status: criteria provided, single submitter. Criteria: Invitae Variant Classification Sherloc (09022015). Collection method: clinical testing. Allele origin: germline.

Genome-Nilou Lab
Classification: Likely benign for Developmental and epileptic encephalopathy, 69. Last evaluated: 2023-04-11. Review status: criteria provided, single submitter. Criteria: ACMG Guidelines, 2015. Collection method: clinical testing. Allele origin: germline. Affected: no.

CeGaT Center for Human Genetics Tuebingen
Classification: Likely benign. Last evaluated: 2022-10-01. Review status: criteria provided, single submitter. Criteria: CeGaT Center For Human Genetics Tuebingen Variant Classification Criteria Version 2. Collection method: clinical testing. Allele origin: germline. Affected: yes. Observed: 1 variant allele.
Comment: CACNA1E: BP4, BP7

Blueprint Genetics
Classification: Likely benign. Last evaluated: 2021-03-13. Review status: criteria provided, single submitter. Criteria: ACMG Guidelines, 2015. Collection method: clinical testing. Allele origin: germline.

NM_001205293.3(CACNA1E):c.639C>T (p.Ser213=)

Gene: CACNA1E (calcium voltage-gated channel subunit alpha1 E; plus strand). Cytogenetic location: 1q25.3.
Variant type: single nucleotide variant.
Coding change: c.639C>T on transcript NM_001205293.3 (MANE Select); coding-DNA position 639, C replaced by T.
Protein change: p.Ser213=; no amino-acid change (serine 213 retained).
Molecular consequence: synonymous variant.
Genome position (GRCh38, 1-based): chr1:181,579,094, C>T. VCF-style: chr1-181579094-C-T. GRCh37 (hg19) VCF-style: chr1-181548230-C-T.
Other names: c.639C>T, p.Ser213= (NM_000721.4, NM_001205294.2).
Identifiers: ClinVar variation 1657899 (VCV001657899.33), dbSNP rs375614479, ClinGen allele CA1274943.
Genomic context (GRCh38, chr1:181,579,094, plus strand): 5'-GGACAGCTGCATTGGTCATTCTCTGTCCTTCCTTCTAGGCCTGCAGATTGTGTTGAAGTC[C>T]ATCATGAAGGCCATGGTACCTCTTCTGCAGATTGGCCTTCTGCTCTTCTTTGCCATCCTG-3'
Protein context (NP_001192222.1, residues 203-223): GIPSLQIVLK[Ser213=]IMKAMVPLLQ